The following is an entry in ClinVar:

ClinVar aggregate classification (germline): Uncertain significance (1 of 4 stars; one submission).

Allele frequency attached by ClinVar (database versions not stated): TOPMed below 0.00001.

Submission:

Labcorp Genetics (formerly Invitae), Labcorp
Classification: Uncertain significance. Last evaluated: 2024-10-29. Review status: criteria provided, single submitter. Criteria: Invitae Variant Classification Sherloc (09022015). Collection method: clinical testing. Allele origin: germline.
Comment: This sequence change replaces alanine, which is neutral and non-polar, with valine, which is neutral and non-polar, at codon 198 of the KCNC3 protein (p.Ala198Val). This variant is not present in population databases (gnomAD no frequency). This variant has not been reported in the literature in individuals affected with KCNC3-related conditions. ClinVar contains an entry for this variant (Variation ID: 2781839). Invitae Evidence Modeling of protein sequence and biophysical properties (such as structural, functional, and spatial information, amino acid conservation, physicochemical variation, residue mobility, and thermodynamic stability) indicates that this missense variant is expected to disrupt KCNC3 protein function with a positive predictive value of 95%. In summary, the available evidence is currently insufficient to determine the role of this variant in disease. Therefore, it has been classified as a Variant of Uncertain Significance.

NM_004977.3(KCNC3):c.593C>T (p.Ala198Val)

Gene: KCNC3 (potassium voltage-gated channel subfamily C member 3; minus strand). Cytogenetic location: 19q13.33.
Variant type: single nucleotide variant.
Coding change: c.593C>T on transcript NM_004977.3 (MANE Select); coding-DNA position 593, C replaced by T.
Protein change: p.Ala198Val; replaces alanine 198 with valine.
Molecular consequence: missense variant.
Genome position (GRCh38, 1-based): chr19:50,328,490, G>A on the plus strand (C>T on the coding strand, the complement: KCNC3 is on the minus strand). VCF-style: chr19-50328490-G-A. GRCh37 (hg19) VCF-style: chr19-50831747-G-A.
Other names: c.365C>T, p.Ala122Val (NM_001372305.1); short protein forms A198V, A122V.
Identifiers: ClinVar variation 2781839 (VCV002781839.3), dbSNP rs1480722598, ClinGen allele CA406954848.